The following is an entry in ClinVar:

ClinVar aggregate classification (germline): Uncertain significance (1 of 4 stars; one submission).

Conditions:
Developmental and epileptic encephalopathy, 32 (DEE32). Also called: Epileptic encephalopathy, early infantile, 32. Identifiers: Orphanet 442835, MedGen C4225350, MONDO:0014607, OMIM 616366.

Submission:

Labcorp Genetics (formerly Invitae), Labcorp
Classification: Uncertain significance for Developmental and epileptic encephalopathy, 32. Last evaluated: 2023-09-21. Review status: criteria provided, single submitter. Criteria: Invitae Variant Classification Sherloc (09022015). Collection method: clinical testing. Allele origin: germline.
Comment: In summary, the available evidence is currently insufficient to determine the role of this variant in disease. Therefore, it has been classified as a Variant of Uncertain Significance. Advanced modeling of protein sequence and biophysical properties (such as structural, functional, and spatial information, amino acid conservation, physicochemical variation, residue mobility, and thermodynamic stability) performed at Invitae indicates that this missense variant is expected to disrupt KCNA2 protein function. This variant has not been reported in the literature in individuals affected with KCNA2-related conditions. This variant is not present in population databases (gnomAD no frequency). This sequence change replaces leucine, which is neutral and non-polar, with glutamine, which is neutral and polar, at codon 393 of the KCNA2 protein (p.Leu393Gln).

NM_004974.4(KCNA2):c.1178T>A (p.Leu393Gln)

Gene: KCNA2 (potassium voltage-gated channel subfamily A member 2; minus strand). Cytogenetic location: 1p13.3.
Variant type: single nucleotide variant.
Coding change: c.1178T>A on transcript NM_004974.4 (MANE Select); coding-DNA position 1178, T replaced by A.
Protein change: p.Leu393Gln; replaces leucine 393 with glutamine.
Molecular consequence: missense variant. On other transcripts: intron variant (1).
Genome position (GRCh38, 1-based): chr1:110,603,605, A>T on the plus strand (T>A on the coding strand, the complement: KCNA2 is on the minus strand). VCF-style: chr1-110603605-A-T. GRCh37 (hg19) VCF-style: chr1-111146227-A-T.
Other names: c.894+284T>A (NM_001204269.2); short protein forms L393Q.
Identifiers: ClinVar variation 2866162 (VCV002866162.3), dbSNP rs1649458792, ClinGen allele CA341601482.
Genomic context (GRCh38, chr1:110,603,605, plus strand): 5'-AAATTGGACACAATGACAGGGACCGGTAAGGCAATAGTTAACACACCTGCAATCGCACAT[A>T]GGGAACCCACTATCTTTCCCCCAATGGTAGTCGGAACCATGTCTCCATAGCCTACAGTTG-3'
Protein context (NP_004965.1, residues 383-403): TTIGGKIVGS[Leu393Gln]CAIAGVLTIA